The following is an entry in ClinVar:

NM_015338.6(ASXL1):c.993T>A (p.His331Gln)

Gene: ASXL1 (ASXL transcriptional regulator 1; plus strand). Cytogenetic location: 20q11.21.
Variant type: single nucleotide variant.
Coding change: c.993T>A on transcript NM_015338.6 (MANE Select); coding-DNA position 993, T replaced by A.
Protein change: p.His331Gln; replaces histidine 331 with glutamine.
Molecular consequence: missense variant.
Genome position (GRCh38, 1-based): chr20:32,432,893, T>A. VCF-style: chr20-32432893-T-A. GRCh37 (hg19) VCF-style: chr20-31020696-T-A.
Other names: c.810T>A, p.His270Gln (NM_001363734.1); short protein forms H270Q, H331Q.
Identifiers: ClinVar variation 4864335 (VCV004864335.1).

ClinVar aggregate classification (germline): Uncertain significance (1 of 4 stars; one submission).

Conditions:
Inborn genetic diseases. Identifiers: MedGen C0950123, MeSH D030342.

Submission:

Ambry Genetics
Classification: Uncertain significance for Inborn genetic diseases. Last evaluated: 2026-04-22. Review status: criteria provided, single submitter. Criteria: Ambry Variant Classification Scheme 2023. Collection method: clinical testing. Allele origin: germline.
Comment: The p.H331Q variant (also known as c.993T>A), located in coding exon 11 of the ASXL1 gene, results from a T to A substitution at nucleotide position 993. The histidine at codon 331 is replaced by glutamine, an amino acid with highly similar properties. This amino acid position is conserved. In addition, this alteration is predicted to be tolerated by in silico analysis. Based on the available evidence, the clinical significance of this variant remains unclear.